The following is an entry in ClinVar:

ClinVar aggregate classification (germline): Uncertain significance (1 of 4 stars; one submission).

Submission:

Labcorp Genetics (formerly Invitae), Labcorp
Classification: Uncertain significance. Last evaluated: 2022-06-17. Review status: criteria provided, single submitter. Criteria: Invitae Variant Classification Sherloc (09022015). Collection method: clinical testing. Allele origin: germline.
Comment: In summary, the available evidence is currently insufficient to determine the role of this variant in disease. Therefore, it has been classified as a Variant of Uncertain Significance. Algorithms developed to predict the effect of missense changes on protein structure and function are either unavailable or do not agree on the potential impact of this missense change (SIFT: "Not Available"; PolyPhen-2: "Probably Damaging"; Align-GVGD: "Not Available"). This variant has not been reported in the literature in individuals affected with HGF-related conditions. This variant is not present in population databases (gnomAD no frequency). This sequence change replaces histidine, which is basic and polar, with leucine, which is neutral and non-polar, at codon 425 of the HGF protein (p.His425Leu).

NM_000601.6(HGF):c.1274A>T (p.His425Leu)

Gene: HGF (hepatocyte growth factor; minus strand). Cytogenetic location: 7q21.11.
Variant type: single nucleotide variant.
Coding change: c.1274A>T on transcript NM_000601.6 (MANE Select); coding-DNA position 1274, A replaced by T.
Protein change: p.His425Leu; replaces histidine 425 with leucine.
Molecular consequence: missense variant.
Genome position (GRCh38, 1-based): chr7:81,717,363, T>A on the plus strand (A>T on the coding strand, the complement: HGF is on the minus strand). VCF-style: chr7-81717363-T-A. GRCh37 (hg19) VCF-style: chr7-81346679-T-A.
Other names: c.1259A>T, p.His420Leu (NM_001010932.3); short protein forms H420L, H425L.
Identifiers: ClinVar variation 1938986 (VCV001938986.5), dbSNP rs2535241661, ClinGen allele CA367874098.